The following is an entry in ClinVar:

NM_000179.3(MSH6):c.3863_3865dup (p.Phe1289Ter)

Gene: MSH6 (mutS homolog 6; plus strand). Cytogenetic location: 2p16.3.
Variant type: Duplication.
Coding change: c.3863_3865dup on transcript NM_000179.3 (MANE Select); coding-DNA positions 3863 to 3865, 3 bases duplicated (AAT; older notation c.3863_3865dupAAT).
Protein change: p.Phe1289Ter; replaces phenylalanine 1289 with a stop codon.
Molecular consequence: nonsense.
Genome position (GRCh38, 1-based): chr2:47,806,513-47,806,515, AAT duplicated. VCF-style (leftmost placement, unchanged base first): chr2-47806512-A-AAAT. GRCh37 (hg19) VCF-style: chr2-48033651-A-AAAT.
Other names: c.3473_3475dup, p.Phe1159Ter (NM_001281492.2); c.2957_2959dup, p.Phe987Ter (NM_001281493.2, NM_001281494.2); short protein forms F1159*, F987*, F1289*.
Identifiers: ClinVar variation 962212 (VCV000962212.9), dbSNP rs1670108675, ClinGen allele CA1139656982.
Genomic context (GRCh38, chr2:47,806,512, plus strand): 5'-GCATGCATGGTAGAAAATGAATGTGAAGACCCCAGCCAGGAGACTATTACGTTCCTCTAT[A>AAAT]AATTCATTAAGGGAGCTTGTCCTAAAAGCTATGGCTTTAATGCAGCAAGGCTTGCTAATC-3'

ClinVar aggregate classification (germline): Pathogenic. Review status: criteria provided, single submitter (1 of 4 stars). 2 submissions from 2 submitters: Pathogenic (1). 1 of the submissions does not count toward it. Last evaluated 2019-11-07.

Conditions:
Hereditary nonpolyposis colorectal neoplasms. Identifiers: MedGen C0009405, MeSH D003123.

Submissions (2):

Labcorp Genetics (formerly Invitae), Labcorp
Classification: Pathogenic for Hereditary nonpolyposis colorectal neoplasms. Last evaluated: 2019-11-07. Review status: criteria provided, single submitter. Criteria: Invitae Variant Classification Sherloc (09022015). Collection method: clinical testing. Allele origin: germline.
Comment: For these reasons, this variant has been classified as Pathogenic. Loss-of-function variants in MSH6 are known to be pathogenic (PMID: 18269114, 24362816). This variant has not been reported in the literature in individuals with MSH6-related conditions. This variant is not present in population databases (ExAC no frequency). This sequence change creates a premature translational stop signal (p.Phe1289*) in the MSH6 gene. It is expected to result in an absent or disrupted protein product.

Department of Pathology and Laboratory Medicine, Sinai Health System
Classification: Pathogenic. Review status: no assertion criteria provided. Collection method: clinical testing. Allele origin: unknown. Affected: yes. Observed: 3 variant alleles. Study: The Canadian Open Genetics Repository (COGR). Not counted in ClinVar's aggregate classification.
Comment: The MSH6 p.Phe1289* variant was not identified in the literature nor was it identified in the dbSNP, ClinVar, UMD-LSDB, the Exome Aggregation Consortium (August 8th 2016, or the Genome Aggregation Database (Feb 27, 2017). The c.3863_3865dup variant leads to a premature stop codon at position 1289, which is predicted to lead to a truncated or absent protein and loss of function. Loss of function variants of the MSH6 gene are an established mechanism of disease in Lynch syndrome and is the type of variant expected to cause the disorder. In summary, based on the above information, this variant meets our laboratoryâ€šÃ„Ã´s criteria to be classified as pathogenic.

Literature cited by the submitters: PubMed 18269114 (cited by Labcorp Genetics (formerly Invitae), Labcorp); PubMed 24362816 (cited by Labcorp Genetics (formerly Invitae), Labcorp).